The following is an entry in ClinVar:

ClinVar aggregate classification (germline): Uncertain significance (0 of 4 stars; one submission).

Conditions:
AFG3L2-related disorder. Also called: AFG3L2-related condition.

Submission:

PreventionGenetics, part of Exact Sciences
Classification: Uncertain significance for AFG3L2-related condition. Last evaluated: 2024-08-14. Review status: no assertion criteria provided. Collection method: clinical testing. Allele origin: germline.
Comment: The AFG3L2 c.422A>G variant is predicted to result in the amino acid substitution p.Lys141Arg. To our knowledge, this variant has not been reported in the literature or in a large population database, indicating this variant is rare. At this time, the clinical significance of this variant is uncertain due to the absence of conclusive functional and genetic evidence.

NM_006796.3(AFG3L2):c.422A>G (p.Lys141Arg)

Gene: AFG3L2 (AFG3 like matrix AAA peptidase subunit 2; minus strand). Cytogenetic location: 18p11.21.
Variant type: single nucleotide variant.
Coding change: c.422A>G on transcript NM_006796.3 (MANE Select); coding-DNA position 422, A replaced by G.
Protein change: p.Lys141Arg; replaces lysine 141 with arginine.
Molecular consequence: missense variant.
Genome position (GRCh38, 1-based): chr18:12,367,095, T>C on the plus strand (A>G on the coding strand, the complement: AFG3L2 is on the minus strand). VCF-style: chr18-12367095-T-C. GRCh37 (hg19) VCF-style: chr18-12367094-T-C.
Other names: short protein forms K141R.
Identifiers: ClinVar variation 3344925 (VCV003344925.1).